The following is an entry in ClinVar:

NM_000322.5(PRPH2):c.828+1G>T

Gene: PRPH2 (peripherin 2; minus strand). Cytogenetic location: 6p21.1.
Variant type: single nucleotide variant.
Coding change: c.828+1G>T on transcript NM_000322.5 (MANE Select); the canonical splice donor site of the intron after coding-DNA position 828, G replaced by T.
Molecular consequence: splice donor variant.
Genome position (GRCh38, 1-based): chr6:42,704,364, C>A on the plus strand (G>T on the coding strand, the complement: PRPH2 is on the minus strand). VCF-style: chr6-42704364-C-A. GRCh37 (hg19) VCF-style: chr6-42672102-C-A.
Identifiers: ClinVar variation 1393616 (VCV001393616.9), dbSNP rs1800108516, ClinGen allele CA364134534.

ClinVar aggregate classification (germline): Pathogenic. Review status: criteria provided, multiple submitters, no conflicts (2 of 4 stars). 2 submissions from 2 submitters: Pathogenic (2). Last evaluated 2023-07-31.

Conditions:
PRPH2-related disorder. Also called: PRPH2-related condition; PRPH2-related disorders. Identifiers: MedGen CN239395.

Submissions (2):

Blueprint Genetics
Classification: Pathogenic for PRPH2-related disorders. Last evaluated: 2023-07-31. Review status: criteria provided, single submitter. Criteria: ACMG Guidelines, 2015. Collection method: clinical testing. Allele origin: germline. Affected: yes. Observed: 1 variant allele.

Labcorp Genetics (formerly Invitae), Labcorp
Classification: Pathogenic for PRPH2-related disorder. Last evaluated: 2022-10-10. Review status: criteria provided, single submitter. Criteria: Invitae Variant Classification Sherloc (09022015). Collection method: clinical testing. Allele origin: germline.
Comment: This variant is not present in population databases (gnomAD no frequency). For these reasons, this variant has been classified as Pathogenic. This variant disrupts a region of the PRPH2 protein in which other variant(s) (p.Gln304*) have been determined to be pathogenic (Invitae). This suggests that this is a clinically significant region of the protein, and that variants that disrupt it are likely to be disease-causing. Variants that disrupt the consensus splice site are a relatively common cause of aberrant splicing (PMID: 17576681, 9536098). Algorithms developed to predict the effect of sequence changes on RNA splicing suggest that this variant may disrupt the consensus splice site. ClinVar contains an entry for this variant (Variation ID: 1393616). Disruption of this splice site has been observed in individual(s) with inherited retinal degenerations (PMID: 32037395). This sequence change affects a donor splice site in intron 2 of the PRPH2 gene. While this variant is not anticipated to result in nonsense mediated decay, it likely alters RNA splicing and results in a disrupted protein product.

Literature cited by the submitters: PubMed 17576681 (cited by Labcorp Genetics (formerly Invitae), Labcorp); PubMed 9536098 (cited by Labcorp Genetics (formerly Invitae), Labcorp); PubMed 32037395 (cited by Labcorp Genetics (formerly Invitae), Labcorp).